The following is an entry in ClinVar:

NM_001401501.2(MUC16):c.1753A>G (p.Thr585Ala)

Gene: MUC16 (mucin 16, cell surface associated; minus strand). Cytogenetic location: 19p13.2.
Variant type: single nucleotide variant.
Coding change: c.1753A>G on transcript NM_001401501.2 (MANE Select); coding-DNA position 1753, A replaced by G.
Protein change: p.Thr585Ala; replaces threonine 585 with alanine.
Molecular consequence: missense variant.
Genome position (GRCh38, 1-based): chr19:8,979,506, T>C on the plus strand (A>G on the coding strand, the complement: MUC16 is on the minus strand). VCF-style: chr19-8979506-T-C. GRCh37 (hg19) VCF-style: chr19-9090182-T-C.
Other names: c.2179A>G, p.Thr727Ala (NM_001414686.1); c.1633A>G, p.Thr545Ala (NM_001414687.1, NM_024690.2); short protein forms T545A, T585A, T727A.
Identifiers: ClinVar variation 3060977 (VCV003060977.2), dbSNP rs17000957, ClinGen allele CA9173364.

ClinVar aggregate classification (germline): Benign (0 of 4 stars; one submission).

Conditions:
MUC16-related disorder. Also called: MUC16-related condition.

Allele frequency attached by ClinVar (database versions not stated): gnomAD exomes 0.10641; ESP Exome Variant Server 0.10930; TOPMed 0.12142; gnomAD 0.12618; ExAC 0.13043; 1000 Genomes Project 30x 0.15381; 1000 Genomes Project 0.15755.

Submission:

PreventionGenetics, part of Exact Sciences
Classification: Benign for MUC16-related condition. Last evaluated: 2019-11-07. Review status: no assertion criteria provided. Collection method: clinical testing. Allele origin: germline.
Comment: This variant is classified as benign based on ACMG/AMP sequence variant interpretation guidelines (Richards et al. 2015 PMID: 25741868, with internal and published modifications).